The following is an entry in ClinVar:

ClinVar aggregate classification (germline): Uncertain significance. Review status: criteria provided, multiple submitters, no conflicts (2 of 4 stars). 3 submissions from 3 submitters: Uncertain significance (2). 1 of the submissions does not count toward it. Last evaluated 2023-05-08.

Conditions:
Joubert syndrome 21 (JBTS21). Identifiers: MedGen C3810212, MONDO:0014288, OMIM 615636.
Retinal dystrophy. Also called: Inherited retinal dystrophy. Identifiers: Orphanet 71862, MedGen C0854723, MeSH D058499, MONDO:0019118, HP:0000556.

Allele frequency attached by ClinVar (database versions not stated): gnomAD 0.00001; gnomAD exomes 0.00002; TOPMed 0.00002; ExAC 0.00003.
gnomAD v4.1: 29 of 1,604,530 alleles (0.0018%); highest among the groups gnomAD compares: Middle Eastern, 0.033%; no homozygotes.

Submissions (3):

Labcorp Genetics (formerly Invitae), Labcorp
Classification: Uncertain significance for Joubert syndrome 21. Last evaluated: 2023-05-08. Review status: criteria provided, single submitter. Criteria: Invitae Variant Classification Sherloc (09022015). Collection method: clinical testing. Allele origin: germline.
Comment: This sequence change replaces cysteine, which is neutral and slightly polar, with tyrosine, which is neutral and polar, at codon 830 of the CSPP1 protein (p.Cys830Tyr). In summary, the available evidence is currently insufficient to determine the role of this variant in disease. Therefore, it has been classified as a Variant of Uncertain Significance. Algorithms developed to predict the effect of missense changes on protein structure and function output the following: SIFT: "Not Available"; PolyPhen-2: "Benign"; Align-GVGD: "Not Available". The tyrosine amino acid residue is found in multiple mammalian species, which suggests that this missense change does not adversely affect protein function. ClinVar contains an entry for this variant (Variation ID: 1804504). This variant has not been reported in the literature in individuals affected with CSPP1-related conditions. This variant is present in population databases (rs762365747, gnomAD 0.01%).

GeneDx
Classification: Uncertain significance. Last evaluated: 2022-06-14. Review status: criteria provided, single submitter. Criteria: GeneDx Variant Classification Process June 2021. Collection method: clinical testing. Allele origin: germline. Affected: yes.
Comment: Not observed at significant frequency in large population cohorts (gnomAD); In silico analysis supports that this missense variant does not alter protein structure/function; Has not been previously published as pathogenic or benign to our knowledge

Institute of Human Genetics, Univ. Regensburg, Univ. Regensburg
Classification: Uncertain significance for Retinal dystrophy. Last evaluated: 2022-01-01. Review status: no assertion criteria provided. Criteria: ACMG Guidelines, 2015. Collection method: clinical testing. Allele origin: germline. Affected: yes. Not counted in ClinVar's aggregate classification.

NM_001382391.1(CSPP1):c.2504G>A (p.Cys835Tyr)

Gene: CSPP1 (centrosome and spindle pole associated protein 1; plus strand). Cytogenetic location: 8q13.2.
Variant type: single nucleotide variant.
Coding change: c.2504G>A on transcript NM_001382391.1 (MANE Select); coding-DNA position 2504, G replaced by A.
Protein change: p.Cys835Tyr; replaces cysteine 835 with tyrosine.
Molecular consequence: missense variant.
Genome position (GRCh38, 1-based): chr8:67,159,103, G>A. VCF-style: chr8-67159103-G-A. GRCh37 (hg19) VCF-style: chr8-68071338-G-A.
Other names: c.1454G>A, p.Cys485Tyr (NM_001291339.2); c.2423G>A, p.Cys808Tyr (NM_001363131.2); c.2309G>A, p.Cys770Tyr (NM_001363132.2); c.2228G>A, p.Cys743Tyr (NM_001363133.2); c.2570G>A, p.Cys857Tyr (NM_001364869.1); c.2390G>A, p.Cys797Tyr (NM_001364870.1); c.2489G>A, p.Cys830Tyr (NM_024790.7); short protein forms C485Y, C743Y, C770Y, C797Y, C808Y, C830Y, C835Y, C857Y.
Identifiers: ClinVar variation 1804504 (VCV001804504.5), dbSNP rs762365747, ClinGen allele CA4770850.
Genomic context (GRCh38, chr8:67,159,103, plus strand): 5'-AAGCAGAAAGAAAGAAGAAAGAAGAAGAAGAAAAATATAACCTGCAACTTCAGCACTACT[G>A]TGAAAGAGACAATTTGATTGGGGAAGAAACAAAGGTAAGTTTCAGACAAAAATGTCAATC-3'
Protein context (NP_001369320.1, residues 825-845): EKYNLQLQHY[Cys835Tyr]ERDNLIGEET